The following is an entry in ClinVar:

NM_015459.5(ATL3):c.823A>G (p.Ser275Gly)

Genes: ATL3 (atlastin GTPase 3; minus strand), LNCROPM (lncRNA regulator of PLAAT3 mediated phospholipid metabolism; plus strand). Cytogenetic location: 11q13.1.
Variant type: single nucleotide variant.
Coding change: c.823A>G on transcript NM_015459.5 (MANE Select); coding-DNA position 823, A replaced by G.
Protein change: p.Ser275Gly; replaces serine 275 with glycine.
Molecular consequence: missense variant.
Genome position (GRCh38, 1-based): chr11:63,643,384, T>C on the plus strand (A>G on the coding strand, the complement: ATL3 is on the minus strand). VCF-style: chr11-63643384-T-C. GRCh37 (hg19) VCF-style: chr11-63410856-T-C.
Other names: c.769A>G, p.Ser257Gly (NM_001290048.2); c.772A>G, p.Ser258Gly (NM_001440716.1); c.766A>G, p.Ser256Gly (NM_001440717.1); c.823A>G, p.Ser275Gly (NM_001440718.1); c.718A>G, p.Ser240Gly (NM_001440719.1); c.712A>G, p.Ser238Gly (NM_001440720.1); c.667A>G, p.Ser223Gly (NM_001440721.1); c.610A>G, p.Ser204Gly (NM_001440722.1); short protein forms S223G, S238G, S240G, S275G, S256G, S204G, S257G, S258G.
Identifiers: ClinVar variation 4740442 (VCV004740442.1).

ClinVar aggregate classification (germline): Uncertain significance (1 of 4 stars; one submission).

Conditions:
Neuropathy, hereditary sensory, type 1F. Also called: Hereditary sensory neuropathy type IF; HSN IF. Identifiers: Orphanet 36386, MedGen C3810194, MONDO:0014286, OMIM 615632.

Submission:

Labcorp Genetics (formerly Invitae), Labcorp
Classification: Uncertain significance for Neuropathy, hereditary sensory, type 1F. Last evaluated: 2025-03-07. Review status: criteria provided, single submitter. Criteria: Invitae Variant Classification Sherloc (09022015). Collection method: clinical testing. Allele origin: germline.
Comment: This sequence change replaces serine, which is neutral and polar, with glycine, which is neutral and non-polar, at codon 275 of the ATL3 protein (p.Ser275Gly). This variant is not present in population databases (gnomAD no frequency). This variant has not been reported in the literature in individuals affected with ATL3-related conditions. Invitae Evidence Modeling of protein sequence and biophysical properties (such as structural, functional, and spatial information, amino acid conservation, physicochemical variation, residue mobility, and thermodynamic stability) indicates that this missense variant is not expected to disrupt ATL3 protein function with a negative predictive value of 80%. In summary, the available evidence is currently insufficient to determine the role of this variant in disease. Therefore, it has been classified as a Variant of Uncertain Significance.